The following is an entry in ClinVar:

NM_002474.3(MYH11):c.1576-14C>T

Gene: MYH11 (myosin heavy chain 11; minus strand). Cytogenetic location: 16p13.11.
Variant type: single nucleotide variant.
Coding change: c.1576-14C>T on transcript NM_002474.3 (MANE Select); 14 bases into the intron before coding-DNA position 1576, C replaced by T.
Molecular consequence: intron variant.
Genome position (GRCh38, 1-based): chr16:15,756,528, G>A on the plus strand (C>T on the coding strand, the complement: MYH11 is on the minus strand). VCF-style: chr16-15756528-G-A. GRCh37 (hg19) VCF-style: chr16-15850385-G-A.
Other names: c.1576-14C>T (NM_022844.3); c.1597-14C>T (NM_001040114.2, NM_001040113.2).
Identifiers: ClinVar variation 926042 (VCV000926042.3), dbSNP rs752867565, ClinGen allele CA7922560.
Genomic context (GRCh38, chr16:15,756,528, plus strand): 5'-AACCAGCATTCCTCGTCCAGCAGGGCCAGCACACCTGGAGGGTTGTTCTGTGGGAGACAA[G>A]TAGGGCTTGAATCAGAGAGAACACCCAACCTCAGGCATTCCATGAAGAGCTGGCCAACTA-3'

ClinVar aggregate classification (germline): Likely benign. Review status: criteria provided, multiple submitters, no conflicts (2 of 4 stars). 2 submissions from 2 submitters: Likely benign (2). Last evaluated 2023-12-13.

Conditions:
Familial thoracic aortic aneurysm and aortic dissection (TAAD). Also called: Thoracic aortic aneurysms and dissections. Identifiers: Orphanet 91387, MedGen C4707243, MONDO:0019625.

Allele frequency attached by ClinVar (database versions not stated): gnomAD exomes below 0.00001; ExAC 0.00001.

Submissions (2):

All of Us Research Program, National Institutes of Health
Classification: Likely benign for Familial thoracic aortic aneurysm and aortic dissection. Last evaluated: 2023-12-13. Review status: criteria provided, single submitter. Criteria: ACMG Guidelines, 2015. Collection method: clinical testing. Allele origin: germline. Inheritance: Autosomal dominant inheritance. Observed: 1 variant allele, 1 heterozygote.
Comment: This study involves interpretation of variants in research participants for the purpose of population health screening. Participant phenotype was not available at the time of variant classification. Additional details can be found in publication PMID: 35346344, PMCID: PMC8962531

Color Diagnostics, LLC DBA Color Health
Classification: Likely benign for Familial thoracic aortic aneurysm and aortic dissection. Last evaluated: 2019-04-28. Review status: criteria provided, single submitter. Criteria: ACMG Guidelines, 2015. Collection method: clinical testing. Allele origin: germline.